The following is an entry in ClinVar:

NM_000673.7(ADH7):c.666T>A (p.Ile222=)

Gene: ADH7 (alcohol dehydrogenase 7 (class IV), mu or sigma polypeptide; minus strand). Cytogenetic location: 4q23.
Variant type: single nucleotide variant.
Coding change: c.666T>A on transcript NM_000673.7 (MANE Select); coding-DNA position 666, T replaced by A.
Protein change: p.Ile222=; no amino-acid change (isoleucine 222 retained).
Molecular consequence: synonymous variant.
Genome position (GRCh38, 1-based): chr4:99,420,692, A>T on the plus strand (T>A on the coding strand, the complement: ADH7 is on the minus strand). VCF-style: chr4-99420692-A-T. GRCh37 (hg19) VCF-style: chr4-100341849-A-T.
Other names: c.726T>A, p.Ile242= (NM_001166504.2).
Identifiers: ClinVar variation 4986458 (VCV004986458.1).

ClinVar aggregate classification (germline): Likely benign (1 of 4 stars; one submission).

Conditions:
ADH7-related disorder. Also called: ADH7-related condition.

gnomAD v4.1: 4 of 1,613,964 alleles (0.00025%); highest among the groups gnomAD compares: Non-Finnish European, 0.00025%; no homozygotes.

Submission:

PreventionGenetics, part of Exact Sciences
Classification: Likely benign for ADH7-related condition. Last evaluated: 2026-06-02. Review status: criteria provided, single submitter. Criteria: ACMG Guidelines, 2015. Collection method: clinical testing. Allele origin: germline.
Comment: This variant is classified as likely benign based on ACMG/AMP sequence variant interpretation guidelines (Richards et al. 2015 PMID: 25741868, with internal and published modifications).